The following is an entry in ClinVar:

ClinVar aggregate classification (germline): Benign/Likely benign. Review status: criteria provided, multiple submitters, no conflicts (2 of 4 stars). 5 submissions from 5 submitters: Benign (1); Likely benign (3). 1 of the submissions does not count toward it. Last evaluated 2026-01-05.

Conditions:
NFIA-Related Disorder. Also called: NFIA-related condition; NFIA-related disorders. Identifiers: MedGen CN381099.

Allele frequency attached by ClinVar (database versions not stated): gnomAD exomes 0.00031; TOPMed 0.00073; gnomAD 0.00086; ExAC 0.00122; 1000 Genomes Project 30x 0.00344; 1000 Genomes Project 0.00399.
gnomAD v4.1: 574 of 1,614,102 alleles (0.036%); highest among the groups gnomAD compares: East Asian, 1.1%; 6 homozygotes.

Submissions (5):

Labcorp Genetics (formerly Invitae), Labcorp
Classification: Benign. Last evaluated: 2026-01-05. Review status: criteria provided, single submitter. Criteria: Invitae Variant Classification Sherloc (09022015). Collection method: clinical testing. Allele origin: germline.

Blueprint Genetics
Classification: Likely benign. Last evaluated: 2024-10-30. Review status: criteria provided, single submitter. Criteria: ACMG Guidelines, 2015. Collection method: clinical testing. Allele origin: germline.

Genetic Services Laboratory, University of Chicago
Classification: Likely benign. Last evaluated: 2016-03-17. Review status: criteria provided, single submitter. Criteria: ACMG Guidelines, 2015. Collection method: clinical testing. Allele origin: germline. Affected: no.

Breakthrough Genomics
Classification: Likely benign. Review status: criteria provided, single submitter. Criteria: ACMG Guidelines, 2015. Collection method: not provided. Allele origin: germline. Inheritance: Autosomal dominant inheritance. Affected: yes.

PreventionGenetics, part of Exact Sciences
Classification: Benign for NFIA-related condition. Last evaluated: 2019-05-23. Review status: no assertion criteria provided. Collection method: clinical testing. Allele origin: germline. Not counted in ClinVar's aggregate classification.
Comment: This variant is classified as benign based on ACMG/AMP sequence variant interpretation guidelines (Richards et al. 2015 PMID: 25741868, with internal and published modifications).

NM_001134673.4(NFIA):c.*42C>T

Gene: NFIA (nuclear factor I A; plus strand). Cytogenetic location: 1p31.3.
Variant type: single nucleotide variant.
Coding change: c.*42C>T on transcript NM_001134673.4 (MANE Select); 42 bases downstream of the stop codon, C replaced by T.
Molecular consequence: 3 prime UTR variant. On other transcripts: missense variant (1).
Genome position (GRCh38, 1-based): chr1:61,455,362, C>T. VCF-style: chr1-61455362-C-T. GRCh37 (hg19) VCF-style: chr1-61921034-C-T.
Other names: c.*42C>T (NM_001145511.2, NM_001145512.2); c.1480C>T, p.Pro494Ser (NM_005595.5); short protein forms P494S.
Identifiers: ClinVar variation 435978 (VCV000435978.19), dbSNP rs114023473, ClinGen allele CA881330.
Genomic context (GRCh38, chr1:61,455,362, plus strand): 5'-GTCCTGGTACCTGGGATAAAAGTTGCAGCGTCCCACCATCCACCAGACAGACCACCTGAC[C>T]CCTTCTCAACTCTGTAACATGGACGCAACCTCAACCCAGCGCAGTTACAACTTCACTATC-3'